The following is an entry in ClinVar:

NM_003640.5(ELP1):c.1644-13dup

Gene: ELP1 (elongator acetyltransferase complex subunit 1; minus strand). Cytogenetic location: 9q31.3.
Variant type: Duplication.
Coding change: c.1644-13dup on transcript NM_003640.5 (MANE Select); 13 bases into the intron before coding-DNA position 1644, one base duplicated (T; older notation c.1644-13dupT).
Molecular consequence: intron variant.
Genome position (GRCh38, 1-based): chr9:108,903,675, A duplicated on the plus strand (T on the coding strand, the reverse complement: ELP1 is on the minus strand); the first of 8 consecutive A bases (chr9:108,903,675-108,903,682); duplicating any one gives the same sequence. VCF-style (leftmost placement, unchanged base first): chr9-108903674-C-CA. GRCh37 (hg19) VCF-style: chr9-111665954-C-CA.
Other names: c.1302-13dup (NM_001318360.2); c.597-13dup (NM_001330749.2); c.1644-6dup (NM_003640.3, NM_003640.5); c.1644-6dupT (NM_003640.4).
Identifiers: ClinVar variation 697137 (VCV000697137.12), dbSNP rs756059162, ClinGen allele CA5174941.
Genomic context (GRCh38, chr9:108,903,674, plus strand): 5'-TGGTCTTGGAATTGCAACATAGACTGATTATGACCCCATCCACCGCTGCAGATGAACTGA[C>CA]AAAAAAAAGGAGAAGGGAGTGTAAACAGACCATTTTTCTCAAAAATAGTGACATTTCACT-3'

ClinVar aggregate classification (germline): Likely benign. Review status: criteria provided, multiple submitters, no conflicts (2 of 4 stars). 3 submissions from 3 submitters: Likely benign (3). Last evaluated 2026-01-27.

Conditions:
ELP1-related disorder. Also called: ELP1-related condition.
Familial dysautonomia. Also called: FD; HSAN III. Identifiers: Orphanet 1764, MedGen C0013364, MONDO:0009131, OMIM 223900. Disease mechanism: loss of function.
Medulloblastoma (MDB). Also called: MEDULLOBLASTOMA PREDISPOSITION SYNDROME; Medulloblastoma, somatic. Identifiers: Orphanet 616, MedGen C0025149, MeSH D008527, MONDO:0007959, OMIM 155255, HP:0002885.

Submissions (3):

Labcorp Genetics (formerly Invitae), Labcorp
Classification: Likely benign. Last evaluated: 2026-01-27. Review status: criteria provided, single submitter. Criteria: Invitae Variant Classification Sherloc (09022015). Collection method: clinical testing. Allele origin: germline.

PreventionGenetics, part of Exact Sciences
Classification: Likely benign for ELP1-related condition. Last evaluated: 2025-09-26. Review status: criteria provided, single submitter. Criteria: ACMG Guidelines, 2015. Collection method: clinical testing. Allele origin: germline.
Comment: This variant is classified as likely benign based on ACMG/AMP sequence variant interpretation guidelines (Richards et al. 2015 PMID: 25741868, with internal and published modifications).

Fulgent Genetics
Classification: Likely benign for Medulloblastoma; Familial dysautonomia. Last evaluated: 2022-02-17. Review status: criteria provided, single submitter. Criteria: ACMG Guidelines, 2015. Collection method: clinical testing. Allele origin: unknown.